The following is an entry in ClinVar:

NM_145207.3(AFG2A):c.1821T>G (p.Asn607Lys)

Gene: AFG2A (AAA ATPase AFG2A; plus strand). Cytogenetic location: 4q28.1.
Variant type: single nucleotide variant.
Coding change: c.1821T>G on transcript NM_145207.3 (MANE Select); coding-DNA position 1821, T replaced by G.
Protein change: p.Asn607Lys; replaces asparagine 607 with lysine.
Molecular consequence: missense variant.
Genome position (GRCh38, 1-based): chr4:122,979,338, T>G. VCF-style: chr4-122979338-T-G. GRCh37 (hg19) VCF-style: chr4-123900493-T-G.
Other names: c.1818T>G, p.Asn606Lys (NM_001317799.2, NM_001345856.2); short protein forms N606K, N607K.
Identifiers: ClinVar variation 2065478 (VCV002065478.3), dbSNP rs2477398183, ClinGen allele CA358093622.
Genomic context (GRCh38, chr4:122,979,338, plus strand): 5'-TGATGTCAAGGTGGCTGGACTGGTGAAGATTACTCTGAAGGATTTCTTGCAGGCAATGAA[T>G]GATATCAGACCCAGTGCCATGAGGGAAATAGCAATTGATGTCCCAAATGTAAGTCATTTA-3'
Protein context (NP_660208.2, residues 597-617): ITLKDFLQAM[Asn607Lys]DIRPSAMREI

ClinVar aggregate classification (germline): Uncertain significance (1 of 4 stars; one submission).

Conditions:
Microcephaly-intellectual disability-sensorineural hearing loss-epilepsy-abnormal muscle tone syndrome (NEDHSB). Also called: NEURODEVELOPMENTAL DISORDER WITH HEARING LOSS, SEIZURES, AND BRAIN ABNORMALITIES. Identifiers: Orphanet 457351, MedGen C4225276, MONDO:0014698, OMIM 616577.

Submission:

Labcorp Genetics (formerly Invitae), Labcorp
Classification: Uncertain significance for Microcephaly-intellectual disability-sensorineural hearing loss-epilepsy-abnormal muscle tone syndrome. Last evaluated: 2021-12-29. Review status: criteria provided, single submitter. Criteria: Invitae Variant Classification Sherloc (09022015). Collection method: clinical testing. Allele origin: germline.
Comment: This variant has not been reported in the literature in individuals affected with SPATA5-related conditions. In summary, the available evidence is currently insufficient to determine the role of this variant in disease. Therefore, it has been classified as a Variant of Uncertain Significance. Advanced modeling of protein sequence and biophysical properties (such as structural, functional, and spatial information, amino acid conservation, physicochemical variation, residue mobility, and thermodynamic stability) performed at Invitae indicates that this missense variant is not expected to disrupt SPATA5 protein function. This variant is not present in population databases (gnomAD no frequency). This sequence change replaces asparagine, which is neutral and polar, with lysine, which is basic and polar, at codon 607 of the SPATA5 protein (p.Asn607Lys).